The following is an entry in ClinVar:

ClinVar aggregate classification (germline): Benign. Review status: criteria provided, single submitter (1 of 4 stars). 2 submissions from 2 submitters: Benign (1). 1 of the submissions does not count toward it. Last evaluated 2019-12-31.

Conditions:
MYT1-related disorder. Also called: MYT1-related condition.

Allele frequency attached by ClinVar (database versions not stated): 1000 Genomes Project 0.00260; gnomAD exomes 0.00260 and 0.00132; gnomAD 0.00111 and 0.00145; ExAC 0.00277; ESP Exome Variant Server 0.00031; TOPMed 0.00095; 1000 Genomes Project 30x 0.00219.
gnomAD v4.1: 2,189 of 1,613,668 alleles (0.14%); highest among the groups gnomAD compares: East Asian, 2.4%; 20 homozygotes.

Submissions (3):

Labcorp Genetics (formerly Invitae), Labcorp
Classification: Benign. Last evaluated: 2019-12-31. Review status: criteria provided, single submitter. Criteria: Invitae Variant Classification Sherloc (09022015). Collection method: clinical testing. Allele origin: germline.

PreventionGenetics, part of Exact Sciences
Classification: Benign for MYT1-related condition. Last evaluated: 2019-03-29. Review status: no assertion criteria provided. Collection method: clinical testing. Allele origin: germline. Not counted in ClinVar's aggregate classification.
Comment: This variant is classified as benign based on ACMG/AMP sequence variant interpretation guidelines (Richards et al. 2015 PMID: 25741868, with internal and published modifications).

Dr. Peter K. Rogan Lab, Western University
No classification provided (evidence only). Condition: Ovarian serous cystadenocarcinoma. Review status: no classification provided. Collection method: in vitro. Allele origin: not applicable. Functional consequence: retained intron. Not counted in ClinVar's aggregate classification.

NM_004535.3(MYT1):c.1623G>T (p.Arg541=)

Gene: MYT1 (myelin transcription factor 1; plus strand). Cytogenetic location: 20q13.33.
Variant type: single nucleotide variant.
Coding change: c.1623G>T on transcript NM_004535.3 (MANE Select); coding-DNA position 1623, G replaced by T.
Protein change: p.Arg541=; no amino-acid change (arginine 541 retained).
Molecular consequence: synonymous variant.
Genome position (GRCh38, 1-based): chr20:64,213,639, G>T. VCF-style: chr20-64213639-G-T. GRCh37 (hg19) VCF-style: chr20-62844992-G-T.
Other names: NC_000020.10:g.62844992G>T.
Identifiers: ClinVar variation 717969 (VCV000717969.7), dbSNP rs145461122, ClinGen allele CA9974934.